The following is an entry in ClinVar:

ClinVar aggregate classification (germline): Conflicting classifications of pathogenicity. Review status: criteria provided, conflicting classifications (1 of 4 stars). 5 submissions from 5 submitters: Uncertain significance (2); Likely benign (3). Last evaluated 2024-01-01.

Conditions:
Inborn genetic diseases. Identifiers: MedGen C0950123, MeSH D030342.
Charcot-Marie-Tooth disease axonal type 2O. Also called: Charcot-Marie-Tooth disease, axonal, type 20; CHARCOT-MARIE-TOOTH NEUROPATHY, AXONAL, TYPE 2O; CHARCOT-MARIE-TOOTH DISEASE, AXONAL, AUTOSOMAL DOMINANT, TYPE 2O; Charcot-Marie-Tooth Neuropathy Type 2O. Identifiers: Orphanet 284232, MedGen C3280220, MONDO:0013644, OMIM 614228.

Allele frequency attached by ClinVar (database versions not stated): gnomAD 0.00001 and 0.00003; TOPMed 0.00002; gnomAD exomes 0.00004 and 0.00006; ExAC 0.00006; ESP Exome Variant Server 0.00008.
gnomAD v4.1: 66 of 1,613,930 alleles (0.0041%); highest among the groups gnomAD compares: South Asian, 0.067%; no homozygotes.

Submissions (5):

CeGaT Center for Human Genetics Tuebingen
Classification: Likely benign. Last evaluated: 2024-01-01. Review status: criteria provided, single submitter. Criteria: CeGaT Center For Human Genetics Tuebingen Variant Classification Criteria Version 2. Collection method: clinical testing. Allele origin: germline. Affected: yes. Observed: 1 variant allele.
Comment: DYNC1H1: BP4, BS2

Blueprint Genetics
Classification: Likely benign. Last evaluated: 2022-06-27. Review status: criteria provided, single submitter. Criteria: ACMG Guidelines, 2015. Collection method: clinical testing. Allele origin: germline.

Ambry Genetics
Classification: Likely benign for Inborn genetic diseases. Last evaluated: 2021-05-12. Review status: criteria provided, single submitter. Criteria: Ambry Variant Classification Scheme 2023. Collection method: clinical testing. Allele origin: germline.

Labcorp Genetics (formerly Invitae), Labcorp
Classification: Uncertain significance for Charcot-Marie-Tooth disease axonal type 2O. Last evaluated: 2020-07-19. Review status: criteria provided, single submitter. Criteria: Invitae Variant Classification Sherloc (09022015). Collection method: clinical testing. Allele origin: germline.
Comment: In summary, the available evidence is currently insufficient to determine the role of this variant in disease. Therefore, it has been classified as a Variant of Uncertain Significance. Nucleotide substitutions within the consensus splice site are a relatively common cause of aberrant splicing (PMID: 17576681, 9536098). Algorithms developed to predict the effect of sequence changes on RNA splicing suggest that this variant may disrupt the consensus splice site, but this prediction has not been confirmed by published transcriptional studies. This variant has not been reported in the literature in individuals with DYNC1H1-related conditions. ClinVar contains an entry for this variant (Variation ID: 434971). This variant is present in population databases (rs375822798, ExAC 0.04%). This sequence change falls in intron 21 of the DYNC1H1 gene. It does not directly change the encoded amino acid sequence of the DYNC1H1 protein, but it affects a nucleotide within the consensus splice site of the intron.

Genetic Services Laboratory, University of Chicago
Classification: Uncertain significance. Last evaluated: 2016-11-09. Review status: criteria provided, single submitter. Criteria: ACMG Guidelines, 2015. Collection method: clinical testing. Allele origin: germline. Affected: no.

Literature cited by the submitters: PubMed 17576681 (cited by Labcorp Genetics (formerly Invitae), Labcorp); PubMed 9536098 (cited by Labcorp Genetics (formerly Invitae), Labcorp).

NM_001376.5(DYNC1H1):c.4542+6G>A

Gene: DYNC1H1 (dynein cytoplasmic 1 heavy chain 1; plus strand). Cytogenetic location: 14q32.31.
Variant type: single nucleotide variant.
Coding change: c.4542+6G>A on transcript NM_001376.5 (MANE Select); 6 bases into the intron after coding-DNA position 4542, G replaced by A.
Molecular consequence: intron variant.
Genome position (GRCh38, 1-based): chr14:102,001,687, G>A. VCF-style: chr14-102001687-G-A. GRCh37 (hg19) VCF-style: chr14-102468024-G-A.
Identifiers: ClinVar variation 434971 (VCV000434971.40), dbSNP rs375822798, ClinGen allele CA7352249.